The following is an entry in ClinVar:

NM_006348.5(COG5):c.539-70A>G

Gene: COG5 (component of oligomeric golgi complex 5; minus strand). Cytogenetic location: 7q22.3.
Variant type: single nucleotide variant.
Coding change: c.539-70A>G on transcript NM_006348.5 (MANE Select); 70 bases into the intron before coding-DNA position 539, A replaced by G.
Molecular consequence: intron variant.
Genome position (GRCh38, 1-based): chr7:107,412,702, T>C on the plus strand (A>G on the coding strand, the complement: COG5 is on the minus strand). VCF-style: chr7-107412702-T-C. GRCh37 (hg19) VCF-style: chr7-107053147-T-C.
Other names: c.235-50592A>G (NM_001379516.1); c.539-114356A>G (NM_001379515.1); c.539-70A>G (NM_001379511.1, NM_001379512.1, NM_181733.4 and 3 more transcripts).
Identifiers: ClinVar variation 1683934 (VCV001683934.3), dbSNP rs140736315, ClinGen allele CA164714677.
Genomic context (GRCh38, chr7:107,412,702, plus strand): 5'-ACAAAAACATACACATTCAAATATTTCAATACTGAATAAATATCAAGGTATCAAAATATG[T>C]ATAACTTCTCAAAAAAAAAAAACAAAAAACGCTATTAAACAGGGTTGCCATTCAAAATCC-3'

ClinVar aggregate classification (germline): Likely benign. Review status: criteria provided, multiple submitters, no conflicts (2 of 4 stars). 2 submissions from 2 submitters: Likely benign (2). Last evaluated 2021-11-04.

Allele frequency attached by ClinVar (database versions not stated): gnomAD exomes 0.00086; gnomAD 0.01187 and 0.01278; TOPMed 0.01320; 1000 Genomes Project 0.01398; 1000 Genomes Project 30x 0.01499.
gnomAD v4.1: 2,441 of 924,454 alleles (0.26%); highest among the groups gnomAD compares: African/African-American, 3.9%; 46 homozygotes.

Submissions (2):

GeneDx
Classification: Likely benign. Last evaluated: 2021-11-04. Review status: criteria provided, single submitter. Criteria: GeneDx Variant Classification Process June 2021. Collection method: clinical testing. Allele origin: germline. Affected: yes.
Comment: See Variant Classification Assertion Criteria.

Breakthrough Genomics
Classification: Likely benign. Review status: criteria provided, single submitter. Criteria: ACMG Guidelines, 2015. Collection method: not provided. Allele origin: germline. Inheritance: Autosomal recessive inheritance. Affected: yes.